The following is an entry in ClinVar:

ClinVar aggregate classification (germline): Uncertain significance. Review status: criteria provided, multiple submitters, no conflicts (2 of 4 stars). 2 submissions from 2 submitters: Uncertain significance (2). Last evaluated 2025-10-22.

Conditions:
Tuberous sclerosis 1 (TSC1). Identifiers: Orphanet 805, MedGen C1854465, MONDO:0008612, OMIM 191100.
Hereditary cancer-predisposing syndrome. Also called: Tumor predisposition; Neoplastic Syndromes, Hereditary; Hereditary Cancer Syndrome; Hereditary neoplastic syndrome. Identifiers: Orphanet 140162, MedGen C0027672, MeSH D009386, MONDO:0015356.

Allele frequency attached by ClinVar (database versions not stated): gnomAD exomes below 0.00001.
gnomAD v4.1: 3 of 1,614,114 alleles (0.00019%); highest among the groups gnomAD compares: Non-Finnish European, 0.00025%; no homozygotes.

Submissions (2):

Ambry Genetics
Classification: Uncertain significance for Hereditary cancer-predisposing syndrome. Last evaluated: 2025-10-22. Review status: criteria provided, single submitter. Criteria: Ambry Variant Classification Scheme 2023. Collection method: clinical testing. Allele origin: germline.
Comment: The p.E839K variant (also known as c.2515G>A), located in coding exon 18 of the TSC1 gene, results from a G to A substitution at nucleotide position 2515. The glutamic acid at codon 839 is replaced by lysine, an amino acid with similar properties. This amino acid position is conserved. In addition, the in silico prediction for this alteration is inconclusive. Based on the available evidence, the clinical significance of this variant remains unclear.

Labcorp Genetics (formerly Invitae), Labcorp
Classification: Uncertain significance for Tuberous sclerosis 1. Last evaluated: 2020-09-20. Review status: criteria provided, single submitter. Criteria: Invitae Variant Classification Sherloc (09022015). Collection method: clinical testing. Allele origin: germline.
Comment: In summary, the available evidence is currently insufficient to determine the role of this variant in disease. Therefore, it has been classified as a Variant of Uncertain Significance. Algorithms developed to predict the effect of missense changes on protein structure and function are either unavailable or do not agree on the potential impact of this missense change (SIFT: "Tolerated"; PolyPhen-2: "Possibly Damaging"; Align-GVGD: "Class C0"). This variant has not been reported in the literature in individuals with TSC1-related conditions. This variant is not present in population databases (ExAC no frequency). This sequence change replaces glutamic acid with lysine at codon 839 of the TSC1 protein (p.Glu839Lys). The glutamic acid residue is highly conserved and there is a small physicochemical difference between glutamic acid and lysine.

NM_000368.5(TSC1):c.2515G>A (p.Glu839Lys)

Gene: TSC1 (TSC complex subunit 1; minus strand). Cytogenetic location: 9q34.13.
Variant type: single nucleotide variant.
Coding change: c.2515G>A on transcript NM_000368.5 (MANE Select); coding-DNA position 2515, G replaced by A.
Protein change: p.Glu839Lys; replaces glutamic acid 839 with lysine.
Molecular consequence: missense variant.
Genome position (GRCh38, 1-based): chr9:132,900,825, C>T on the plus strand (G>A on the coding strand, the complement: TSC1 is on the minus strand). VCF-style: chr9-132900825-C-T. GRCh37 (hg19) VCF-style: chr9-135776212-C-T.
Other names: c.2512G>A, p.Glu838Lys (NM_001162426.2); c.2362G>A, p.Glu788Lys (NM_001162427.2); c.2152G>A, p.Glu718Lys (NM_001362177.2); short protein forms E718K, E788K, E838K, E839K.
Identifiers: ClinVar variation 1061361 (VCV001061361.12), dbSNP rs2131689008, ClinGen allele CA375370318.